The following is an entry in ClinVar:

ClinVar aggregate classification (germline): Uncertain significance. Review status: criteria provided, multiple submitters, no conflicts (2 of 4 stars). 2 submissions from 2 submitters: Uncertain significance (2). Last evaluated 2021-10-08.

Conditions:
Nephronophthisis 14 (NPHP14). Identifiers: Orphanet 2318, MedGen C3539071, MONDO:0013916, OMIM 614844.

Allele frequency attached by ClinVar (database versions not stated): TOPMed 0.00003.
gnomAD v4.1: 8 of 1,613,824 alleles (0.0005%); highest among the groups gnomAD compares: Non-Finnish European, 0.00059%; no homozygotes.

Submissions (2):

Labcorp Genetics (formerly Invitae), Labcorp
Classification: Uncertain significance for Nephronophthisis 14. Last evaluated: 2021-10-08. Review status: criteria provided, single submitter. Criteria: Invitae Variant Classification Sherloc (09022015). Collection method: clinical testing. Allele origin: germline.
Comment: This sequence change replaces methionine with lysine at codon 367 of the ZNF423 protein (p.Met367Lys). The methionine residue is highly conserved and there is a moderate physicochemical difference between methionine and lysine. This variant is not present in population databases (ExAC no frequency). This variant has not been reported in the literature in individuals affected with ZNF423-related conditions. Algorithms developed to predict the effect of missense changes on protein structure and function (SIFT, PolyPhen-2, Align-GVGD) all suggest that this variant is likely to be tolerated. In summary, the available evidence is currently insufficient to determine the role of this variant in disease. Therefore, it has been classified as a Variant of Uncertain Significance.

Blueprint Genetics
Classification: Uncertain significance. Last evaluated: 2019-11-19. Review status: criteria provided, single submitter. Criteria: ACMG Guidelines, 2015. Collection method: clinical testing. Allele origin: germline.

NM_001379286.1(ZNF423):c.1124T>A (p.Met375Lys)

Gene: ZNF423 (zinc finger protein 423; minus strand). Cytogenetic location: 16q12.1.
Variant type: single nucleotide variant.
Coding change: c.1124T>A on transcript NM_001379286.1 (MANE Select); coding-DNA position 1124, T replaced by A.
Protein change: p.Met375Lys; replaces methionine 375 with lysine.
Molecular consequence: missense variant.
Genome position (GRCh38, 1-based): chr16:49,638,052, A>T on the plus strand (T>A on the coding strand, the complement: ZNF423 is on the minus strand). VCF-style: chr16-49638052-A-T. GRCh37 (hg19) VCF-style: chr16-49671963-A-T.
Other names: c.920T>A, p.Met307Lys (NM_001271620.2); c.749T>A, p.Met250Lys (NM_001330533.2); c.1100T>A, p.Met367Lys (NM_015069.5); short protein forms M250K, M307K, M375K, M367K.
Identifiers: ClinVar variation 940998 (VCV000940998.6), dbSNP rs936241107, ClinGen allele CA395850273.
Genomic context (GRCh38, chr16:49,638,052, plus strand): 5'-GTGGAGTCCGGGGTGGAGCCACGCTCCACAGAGGCGCTGGAGTCGGGTGTGGCGCTGCTC[A>T]TGGAGGCCACGCTGCCCAGTACAGGGTCGGGACTGACACTGTGGTTGCTGGAGTCGGGCT-3'
Protein context (NP_001366215.1, residues 365-385): PDPVLGSVAS[Met375Lys]SSATPDSSAS